The following is an entry in ClinVar:

NM_194277.3(FRMD7):c.1533T>C (p.Ile511=)

Gene: FRMD7 (FERM domain containing 7; minus strand). Cytogenetic location: Xq26.2.
Variant type: single nucleotide variant.
Coding change: c.1533T>C on transcript NM_194277.3 (MANE Select); coding-DNA position 1533, T replaced by C.
Protein change: p.Ile511=; no amino-acid change (isoleucine 511 retained).
Molecular consequence: synonymous variant.
Genome position (GRCh38, 1-based): chrX:132,078,484, A>G on the plus strand (T>C on the coding strand, the complement: FRMD7 is on the minus strand). VCF-style: chrX-132078484-A-G. GRCh37 (hg19) VCF-style: chrX-131212512-A-G.
Other names: c.1488T>C, p.Ile496= (NM_001306193.2).
Identifiers: ClinVar variation 263088 (VCV000263088.19), dbSNP rs5977623, ClinGen allele CA10518847.

ClinVar aggregate classification (germline): Benign. Review status: criteria provided, multiple submitters, no conflicts (2 of 4 stars). 7 submissions from 7 submitters: Benign (7). Last evaluated 2026-02-03.

Conditions:
Nystagmus 1, congenital, X-linked. Also called: NYSTAGMUS, INFANTILE PERIODIC ALTERNATING, X-LINKED; FRMD7-Related Infantile Nystagmus; NYSTAGMUS 1, INFANTILE, X-LINKED; NYSTAGMUS, CONGENITAL MOTOR, 1; NYSTAGMUS, INFANTILE IDIOPATHIC. Identifiers: MedGen C1839580, MONDO:0010693, OMIM 310700.

Allele frequency attached by ClinVar (database versions not stated): gnomAD exomes 0.25982 and 0.29075; 1000 Genomes Project 0.26066; 1000 Genomes Project 30x 0.26722; ExAC 0.27217; TOPMed 0.31276; gnomAD 0.32355 and 0.31765; ESP Exome Variant Server 0.35605.
gnomAD v4.1: 353,996 of 1,207,818 alleles (29%); highest among the groups gnomAD compares: African/African-American, 43%; 37,254 homozygotes.

Submissions (7):

Labcorp Genetics (formerly Invitae), Labcorp
Classification: Benign. Last evaluated: 2026-02-03. Review status: criteria provided, single submitter. Criteria: Invitae Variant Classification Sherloc (09022015). Collection method: clinical testing. Allele origin: germline.

Blueprint Genetics
Classification: Benign. Last evaluated: 2024-11-28. Review status: criteria provided, single submitter. Criteria: ACMG Guidelines, 2015. Collection method: clinical testing. Allele origin: germline.

Genome-Nilou Lab
Classification: Benign for Nystagmus 1, congenital, X-linked. Last evaluated: 2021-08-10. Review status: criteria provided, single submitter. Criteria: ACMG Guidelines, 2015. Collection method: clinical testing. Allele origin: germline. Affected: no.

Illumina Laboratory Services, Illumina
Classification: Benign for Nystagmus 1, congenital, X-linked. Last evaluated: 2018-01-12. Review status: criteria provided, single submitter. Criteria: ICSL Variant Classification Criteria 13 December 2019. Collection method: clinical testing. Allele origin: germline.
Comment: This variant was observed in the ICSL laboratory as part of a predisposition screen in an ostensibly healthy population. It had not been previously curated by ICSL or reported in the Human Gene Mutation Database (HGMD: prior to June 1st, 2018), and was therefore a candidate for classification through an automated scoring system. Utilizing variant allele frequency, disease prevalence and penetrance estimates, and inheritance mode, an automated score was calculated to assess if this variant is too frequent to cause the disease. Based on the score and internal cut-off values, a variant classified as benign is not then subjected to further curation. The score for this variant resulted in a classification of benign for this disease.

GeneDx
Classification: Benign. Last evaluated: 2015-03-03. Review status: criteria provided, single submitter. Criteria: GeneDx Variant Classification Process June 2021. Collection method: clinical testing. Allele origin: germline. Affected: yes.

Breakthrough Genomics
Classification: Benign. Review status: criteria provided, single submitter. Criteria: ACMG Guidelines, 2015. Collection method: not provided. Allele origin: germline. Inheritance: X-linked inheritance. Affected: yes.

PreventionGenetics, part of Exact Sciences
Classification: Benign. Review status: criteria provided, single submitter. Criteria: ACMG Guidelines, 2015. Collection method: clinical testing. Allele origin: germline.